The following is an entry in ClinVar:

NM_022114.4(PRDM16):c.3068T>G (p.Leu1023Arg)

Gene: PRDM16 (PR/SET domain 16; plus strand). Cytogenetic location: 1p36.32.
Variant type: single nucleotide variant.
Coding change: c.3068T>G on transcript NM_022114.4 (MANE Select); coding-DNA position 3068, T replaced by G.
Protein change: p.Leu1023Arg; replaces leucine 1023 with arginine.
Molecular consequence: missense variant.
Genome position (GRCh38, 1-based): chr1:3,425,709, T>G. VCF-style: chr1-3425709-T-G. GRCh37 (hg19) VCF-style: chr1-3342273-T-G.
Other names: c.3068T>G, p.Leu1023Arg (NM_199454.3); short protein forms L1023R.
Identifiers: ClinVar variation 949828 (VCV000949828.9), dbSNP rs1638583779, ClinGen allele CA338002394.

ClinVar aggregate classification (germline): Uncertain significance (1 of 4 stars; one submission).

Conditions:
Left ventricular noncompaction 8 (LVNC8). Identifiers: Orphanet 154, Orphanet 54260, MedGen C3809288, MONDO:0014152, OMIM 615373.

Submission:

Labcorp Genetics (formerly Invitae), Labcorp
Classification: Uncertain significance for Left ventricular noncompaction 8. Last evaluated: 2019-07-24. Review status: criteria provided, single submitter. Criteria: Invitae Variant Classification Sherloc (09022015). Collection method: clinical testing. Allele origin: germline.
Comment: This sequence change replaces leucine with arginine at codon 1023 of the PRDM16 protein (p.Leu1023Arg). The leucine residue is highly conserved and there is a moderate physicochemical difference between leucine and arginine. This variant is not present in population databases (ExAC no frequency). In summary, the available evidence is currently insufficient to determine the role of this variant in disease. Therefore, it has been classified as a Variant of Uncertain Significance. Algorithms developed to predict the effect of missense changes on protein structure and function are either unavailable or do not agree on the potential impact of this missense change (SIFT: "Deleterious"; PolyPhen-2: "Benign"; Align-GVGD: "Class C0"). This variant has not been reported in the literature in individuals with PRDM16-related conditions.